The following is an entry in ClinVar:

ClinVar aggregate classification (germline): Uncertain significance (1 of 4 stars; one submission).

Submission:

GeneDx
Classification: Uncertain significance. Last evaluated: 2026-02-24. Review status: criteria provided, single submitter. Criteria: GeneDx Variant Classification Process June 2021. Collection method: clinical testing. Allele origin: germline.
Comment: Not observed at significant frequency in large population cohorts (gnomAD); In silico analysis supports that this missense variant has a deleterious effect on protein structure/function; Has not been previously published as pathogenic or benign to our knowledge; This variant is associated with the following publications: (PMID: 18199528)

NM_000038.6(APC):c.90T>G (p.Asn30Lys)

Gene: APC (APC regulator of Wnt signaling pathway; plus strand). Cytogenetic location: 5q22.2.
Variant type: single nucleotide variant.
Coding change: c.90T>G on transcript NM_000038.6 (MANE Select); coding-DNA position 90, T replaced by G.
Protein change: p.Asn30Lys; replaces asparagine 30 with lysine.
Molecular consequence: missense variant. On other transcripts: 5 prime UTR variant (4), non-coding transcript variant (2), intron variant (11).
Genome position (GRCh38, 1-based): chr5:112,754,980, T>G. VCF-style: chr5-112754980-T-G. GRCh37 (hg19) VCF-style: chr5-112090677-T-G.
Other names: c.90T>G, p.Asn30Lys (NM_001127510.3, NM_001354895.2, NM_001354896.2 and 16 more transcripts); c.-946T>G (NM_001354906.2, NM_001407470.1, NM_001407471.1 and 1 more transcripts); c.166-11346T>G (NM_001407446.1, NM_001354897.2, NM_001354902.2 and 1 more transcripts); c.-42-11346T>G (NM_001407453.1, NM_001354900.2, NM_001354901.2 and 1 more transcripts); c.61-11346T>G (NM_001407451.1, NM_001354898.2, NM_001354904.2); short protein forms N30K.
Identifiers: ClinVar variation 5010062 (VCV005010062.1).